The following is an entry in ClinVar:

NM_001042492.3(NF1):c.1108C>T (p.Pro370Ser)

Gene: NF1 (neurofibromin 1; plus strand). Cytogenetic location: 17q11.2.
Variant type: single nucleotide variant.
Coding change: c.1108C>T on transcript NM_001042492.3 (MANE Select); coding-DNA position 1108, C replaced by T.
Protein change: p.Pro370Ser; replaces proline 370 with serine.
Molecular consequence: missense variant.
Genome position (GRCh38, 1-based): chr17:31,201,082, C>T. VCF-style: chr17-31201082-C-T. GRCh37 (hg19) VCF-style: chr17-29528100-C-T.
Other names: c.1108C>T, p.Pro370Ser (NM_000267.4, NM_001128147.3); short protein forms P370S.
Identifiers: ClinVar variation 237509 (VCV000237509.10), dbSNP rs878853862, ClinGen allele CA10583467.

ClinVar aggregate classification (germline): Conflicting classifications of pathogenicity. Review status: criteria provided, conflicting classifications (1 of 4 stars). 4 submissions from 4 submitters: Uncertain significance (3); Likely benign (1). Last evaluated 2026-04-30.

Conditions:
Hereditary cancer-predisposing syndrome. Also called: Neoplastic Syndromes, Hereditary; Hereditary Cancer Syndrome; Tumor predisposition; Hereditary neoplastic syndrome. Identifiers: Orphanet 140162, MedGen C0027672, MeSH D009386, MONDO:0015356.
Cardiovascular phenotype. Identifiers: MedGen CN230736.
Neurofibromatosis, type 1 (NF1). Also called: NEUROFIBROMATOSIS, TYPE I, SOMATIC; Neurofibromatosis, type I; VON RECKLINGHAUSEN DISEASE; Peripheral type neurofibromatosis. Identifiers: Orphanet 636, MedGen C0027831, MONDO:0018975, OMIM 162200. Disease mechanism: loss of function.

Allele frequency attached by ClinVar (database versions not stated): gnomAD exomes below 0.00001.
gnomAD v4.1: 1 of 1,614,030 alleles (0.000062%); highest among the groups gnomAD compares: South Asian, 0.0011%; no homozygotes.

Submissions (4):

Ambry Genetics
Classification: Likely benign for Cardiovascular phenotype; Hereditary cancer-predisposing syndrome. Last evaluated: 2026-04-30. Review status: criteria provided, single submitter. Criteria: Ambry Variant Classification Scheme 2023. Collection method: clinical testing. Allele origin: germline.

Labcorp Genetics (formerly Invitae), Labcorp
Classification: Uncertain significance for Neurofibromatosis, type 1. Last evaluated: 2025-11-18. Review status: criteria provided, single submitter. Criteria: Invitae Variant Classification Sherloc (09022015). Collection method: clinical testing. Allele origin: germline.
Comment: This sequence change replaces proline, which is neutral and non-polar, with serine, which is neutral and polar, at codon 370 of the NF1 protein (p.Pro370Ser). This variant is present in population databases (no rsID available, gnomAD 0.003%). This variant has not been reported in the literature in individuals affected with NF1-related conditions. ClinVar contains an entry for this variant (Variation ID: 237509). Invitae Evidence Modeling of protein sequence and biophysical properties (such as structural, functional, and spatial information, amino acid conservation, physicochemical variation, residue mobility, and thermodynamic stability) indicates that this missense variant is not expected to disrupt NF1 protein function with a negative predictive value of 95%. In summary, the available evidence is currently insufficient to determine the role of this variant in disease. Therefore, it has been classified as a Variant of Uncertain Significance.

Genome-Nilou Lab
Classification: Uncertain significance for Neurofibromatosis, type 1. Last evaluated: 2022-03-15. Review status: criteria provided, single submitter. Criteria: ACMG Guidelines, 2015. Collection method: clinical testing. Allele origin: germline. Affected: no.

GeneDx
Classification: Uncertain significance. Last evaluated: 2017-03-15. Review status: criteria provided, single submitter. Criteria: GeneDx Variant Classification (06012015). Collection method: clinical testing. Allele origin: germline. Affected: yes.
Comment: This variant is denoted NF1 c.1108C>T at the cDNA level, p.Pro370Ser (P370S) at the protein level, and results in the change of a Proline to a Serine (CCT>TCT). This variant has not, to our knowledge, been published in the literature as pathogenic or benign. NF1 Pro370Ser was not observed in large population cohorts (NHLBI Exome Sequencing Project, The 1000 Genomes Consortium 2015, Lek 2016). Since Proline and Serine differ in polarity, charge, size or other properties, this is considered a non-conservative amino acid substitution. NF1 Pro370Ser occurs at a position that is not conserved and is not located in a known functional domain. In silico analyses are inconsistent regarding the effect this variant may have on protein structure and function. Based on currently available evidence, it is unclear whether NF1 Pro370Ser is a pathogenic or benign variant. We consider it to be a variant of uncertain significance.